The following is an entry in ClinVar:

ClinVar aggregate classification (germline): Uncertain significance (1 of 4 stars; one submission).

Conditions:
Heterotaxy, visceral, 4, autosomal (HTX4). Identifiers: Orphanet 450, MedGen C3151057, MONDO:0013403, OMIM 613751.

Submission:

Labcorp Genetics (formerly Invitae), Labcorp
Classification: Uncertain significance for Heterotaxy, visceral, 4, autosomal. Last evaluated: 2025-10-02. Review status: criteria provided, single submitter. Criteria: Invitae Variant Classification Sherloc (09022015). Collection method: clinical testing. Allele origin: germline.
Comment: This sequence change affects a donor splice site in intron 5 of the ACVR2B gene. It is expected to disrupt RNA splicing. Variants that disrupt the donor or acceptor splice site typically lead to a loss of protein function (PMID: 16199547), however the current clinical and genetic evidence is not sufficient to establish whether loss-of-function variants in ACVR2B cause disease. This variant is not present in population databases (gnomAD no frequency). This variant has not been reported in the literature in individuals affected with ACVR2B-related conditions. ClinVar contains an entry for this variant (Variation ID: 2760494). Experimental studies and prediction algorithms are not available or were not evaluated, and the effect of this variant on mRNA splicing is currently unknown. In summary, the available evidence is currently insufficient to determine the role of this variant in disease. Therefore, it has been classified as a Variant of Uncertain Significance.

Literature cited by the submitters: PubMed 16199547.

NM_001106.4(ACVR2B):c.666+2T>C

Gene: ACVR2B (activin A receptor type 2B; plus strand). Cytogenetic location: 3p22.2.
Variant type: single nucleotide variant.
Coding change: c.666+2T>C on transcript NM_001106.4 (MANE Select); the canonical splice donor site of the intron after coding-DNA position 666, T replaced by C.
Molecular consequence: splice donor variant.
Genome position (GRCh38, 1-based): chr3:38,478,520, T>C. VCF-style: chr3-38478520-T-C. GRCh37 (hg19) VCF-style: chr3-38520011-T-C.
Identifiers: ClinVar variation 2760494 (VCV002760494.3), dbSNP rs1333696990, ClinGen allele CA352130846.